The following is an entry in ClinVar:

NM_000153.4(GALC):c.318del (p.Gln107fs)

Gene: GALC (galactosylceramidase; minus strand). Cytogenetic location: 14q31.3.
Variant type: Deletion.
Coding change: c.318del on transcript NM_000153.4 (MANE Select); coding-DNA position 318, one base deleted (G; older notation c.318delG).
Protein change: p.Gln107fs; shifts the reading frame from glutamine 107.
Molecular consequence: frameshift variant. On other transcripts: 5 prime UTR variant (4), non-coding transcript variant (1).
Genome position (GRCh38, 1-based): chr14:87,988,154, C deleted on the plus strand (G on the coding strand, the reverse complement: GALC is on the minus strand); the first of 3 consecutive C bases (chr14:87,988,154-87,988,156); deleting any one gives the same sequence. VCF-style (leftmost placement, unchanged base first): chr14-87988153-GC-G. GRCh37 (hg19) VCF-style: chr14-88454497-GC-G.
Other names: c.249del, p.Gln84fs (NM_001201401.2); c.240del, p.Gln81fs (NM_001201402.2); c.150del, p.Gln51fs (NM_001424071.1, NM_001424072.1, NM_001424073.1); c.-31del (NM_001424074.1); c.-119del (NM_001424075.1); c.-350del (NM_001424076.1, NM_001424077.1); short protein forms Q107fs, Q51fs, Q81fs, Q84fs.
Identifiers: ClinVar variation 4068194 (VCV004068194.2).

ClinVar aggregate classification (germline): Likely pathogenic (1 of 4 stars; one submission).

Conditions:
Galactosylceramide beta-galactosidase deficiency. Also called: Leukodystrophy, Globoid Cell; Krabbe Disease; GALACTOCEREBROSIDASE DEFICIENCY; GALC DEFICIENCY; GLOBOID CELL LEUKOENCEPHALOPATHY. Identifiers: Orphanet 487, MedGen C0023521, MONDO:0009499, OMIM 245200.

Submission:

Natera, Inc.
Classification: Likely pathogenic for Galactosylceramide beta-galactosidase deficiency. Last evaluated: 2025-05-26. Review status: criteria provided, single submitter. Criteria: Natera Variant Classification Schema (03/2026). Collection method: clinical testing. Allele origin: germline.
Comment: The c.318del variant in GALC is a frameshift variant predicted to shift the reading frame beginning at codon 107 and leads to a stop codon 15 codons downstream. This variant is expected to result in nonsense mediated decay, truncation, or a dysfunctional protein product. This variant is rare in the general population with a frequency below the threshold expected for the associated phenotype(s). Given the available evidence, this variant is classified as Likely Pathogenic.